The following is an entry in ClinVar:

NM_152564.5(VPS13B):c.1277G>A (p.Trp426Ter)

Gene: VPS13B (vacuolar protein sorting 13 homolog B; plus strand). Cytogenetic location: 8q22.2.
Variant type: single nucleotide variant.
Coding change: c.1277G>A on transcript NM_152564.5 (MANE Select); coding-DNA position 1277, G replaced by A.
Protein change: p.Trp426Ter; replaces tryptophan 426 with a stop codon.
Molecular consequence: nonsense.
Genome position (GRCh38, 1-based): chr8:99,134,702, G>A. VCF-style: chr8-99134702-G-A. GRCh37 (hg19) VCF-style: chr8-100146930-G-A.
Other names: c.1277G>A, p.Trp426Ter (NM_015243.3, NM_017890.5); short protein forms W426*.
Identifiers: ClinVar variation 2126881 (VCV002126881.6), dbSNP rs2488758180, ClinGen allele CA371862024.

ClinVar aggregate classification (germline): Pathogenic/Likely pathogenic. Review status: criteria provided, multiple submitters, no conflicts (2 of 4 stars). 3 submissions from 3 submitters: Pathogenic (2); Likely pathogenic (1). Last evaluated 2025-03-25.

Conditions:
Cohen syndrome (COH1). Also called: Cutis verticis gyrata, retinitis pigmentosa, and sensorineural deafness; PEPPER SYNDROME. Identifiers: Orphanet 193, MedGen C0265223, MONDO:0008999, OMIM 216550.

Submissions (3):

Myriad Genetics, Inc.
Classification: Pathogenic for Cohen syndrome. Last evaluated: 2025-03-25. Review status: criteria provided, single submitter. Criteria: Myriad Autosomal Dominant, Autosomal Recessive and X-Linked Classification Criteria (2023). Collection method: clinical testing. Allele origin: unknown.
Comment: NM_017890.4(VPS13B):c.1277G>A(W426*) is expected to be pathogenic in the context of Cohen syndrome. This variant is predicted to lead to an abnormal or absent protein product due to the creation of a premature termination codon in VPS13B, a gene where loss-of-function variants are known to be pathogenic. Please note: this variant was assessed in the context of healthy population screening.

Fulgent Genetics
Classification: Likely pathogenic for Cohen syndrome. Last evaluated: 2024-03-18. Review status: criteria provided, single submitter. Criteria: ACMG Guidelines, 2015. Collection method: clinical testing. Allele origin: germline.

Labcorp Genetics (formerly Invitae), Labcorp
Classification: Pathogenic for Cohen syndrome. Last evaluated: 2023-09-17. Review status: criteria provided, single submitter. Criteria: Invitae Variant Classification Sherloc (09022015). Collection method: clinical testing. Allele origin: germline.
Comment: This sequence change creates a premature translational stop signal (p.Trp426*) in the VPS13B gene. It is expected to result in an absent or disrupted protein product. Loss-of-function variants in VPS13B are known to be pathogenic (PMID: 15141358, 16648375, 20461111). This variant is not present in population databases (gnomAD no frequency). This variant has not been reported in the literature in individuals affected with VPS13B-related conditions. ClinVar contains an entry for this variant (Variation ID: 2126881). Algorithms developed to predict the effect of sequence changes on RNA splicing suggest that this variant may disrupt the consensus splice site. For these reasons, this variant has been classified as Pathogenic.

Literature cited by the submitters: PubMed 15141358 (cited by Labcorp Genetics (formerly Invitae), Labcorp); PubMed 16648375 (cited by Labcorp Genetics (formerly Invitae), Labcorp); PubMed 20461111 (cited by Labcorp Genetics (formerly Invitae), Labcorp).